The following is an entry in ClinVar:

ClinVar aggregate classification (germline): Benign. Review status: criteria provided, single submitter (1 of 4 stars). 2 submissions from 2 submitters: Benign (1). 1 of the submissions does not count toward it. Last evaluated 2026-01-27.

Conditions:
FBN3-related disorder. Also called: FBN3-related condition.

Allele frequency attached by ClinVar (database versions not stated): 1000 Genomes Project 0.00260; ESP Exome Variant Server 0.00269; 1000 Genomes Project 30x 0.00328.
gnomAD v4.1: 702 of 1,613,150 alleles (0.044%); highest among the groups gnomAD compares: African/African-American, 0.79%; 2 homozygotes.

Submissions (2):

Labcorp Genetics (formerly Invitae), Labcorp
Classification: Benign. Last evaluated: 2026-01-27. Review status: criteria provided, single submitter. Criteria: Invitae Variant Classification Sherloc (09022015). Collection method: clinical testing. Allele origin: germline.

PreventionGenetics, part of Exact Sciences
Classification: Likely benign for FBN3-related condition. Last evaluated: 2019-03-22. Review status: no assertion criteria provided. Collection method: clinical testing. Allele origin: germline. Not counted in ClinVar's aggregate classification.
Comment: This variant is classified as likely benign based on ACMG/AMP sequence variant interpretation guidelines (Richards et al. 2015 PMID: 25741868, with internal and published modifications).

NM_032447.5(FBN3):c.5434A>G (p.Ile1812Val)

Gene: FBN3 (fibrillin 3; minus strand). Cytogenetic location: 19p13.2.
Variant type: single nucleotide variant.
Coding change: c.5434A>G on transcript NM_032447.5 (MANE Select); coding-DNA position 5434, A replaced by G.
Protein change: p.Ile1812Val; replaces isoleucine 1812 with valine.
Molecular consequence: missense variant.
Genome position (GRCh38, 1-based): chr19:8,096,549, T>C on the plus strand (A>G on the coding strand, the complement: FBN3 is on the minus strand). VCF-style: chr19-8096549-T-C. GRCh37 (hg19) VCF-style: chr19-8161433-T-C.
Other names: c.5434A>G, p.Ile1812Val (NM_001321431.2); c.5434A>G (NM_001321431.1); short protein forms I1812V.
Identifiers: ClinVar variation 2044097 (VCV002044097.6), dbSNP rs115948457, ClinGen allele CA9151652.